The following is an entry in ClinVar:

ClinVar aggregate classification (germline): Uncertain significance. Review status: criteria provided, multiple submitters, no conflicts (2 of 4 stars). 3 submissions from 3 submitters: Uncertain significance (3). Last evaluated 2024-05-30.

Conditions:
Inborn genetic diseases. Identifiers: MedGen C0950123, MeSH D030342.
Early-onset Parkinson disease 20. Also called: PARKINSON DISEASE 20, AUTOSOMAL RECESSIVE EARLY-ONSET. Identifiers: Orphanet 391411, MedGen C3809824, MONDO:0014233, OMIM 615530.
Developmental and epileptic encephalopathy, 53. Also called: Epileptic encephalopathy, early infantile, 53. Identifiers: MedGen C4479313, MONDO:0033362, OMIM 617389.

Allele frequency attached by ClinVar (database versions not stated): gnomAD exomes below 0.00001.
gnomAD v4.1: 1 of 1,614,042 alleles (0.000062%); highest among the groups gnomAD compares: African/African-American, 0.0013%; no homozygotes.

Submissions (3):

Ambry Genetics
Classification: Uncertain significance for Inborn genetic diseases. Last evaluated: 2024-05-30. Review status: criteria provided, single submitter. Criteria: Ambry Variant Classification Scheme 2023. Collection method: clinical testing. Allele origin: germline.

Labcorp Genetics (formerly Invitae), Labcorp
Classification: Uncertain significance for Developmental and epileptic encephalopathy, 53; Early-onset Parkinson disease 20. Last evaluated: 2024-01-02. Review status: criteria provided, single submitter. Criteria: Invitae Variant Classification Sherloc (09022015). Collection method: clinical testing. Allele origin: germline.
Comment: This sequence change replaces glycine, which is neutral and non-polar, with arginine, which is basic and polar, at codon 1242 of the SYNJ1 protein (p.Gly1242Arg). This variant is not present in population databases (gnomAD no frequency). This variant has not been reported in the literature in individuals affected with SYNJ1-related conditions. ClinVar contains an entry for this variant (Variation ID: 1307823). Advanced modeling of protein sequence and biophysical properties (such as structural, functional, and spatial information, amino acid conservation, physicochemical variation, residue mobility, and thermodynamic stability) has been performed at Invitae for this missense variant, however the output from this modeling did not meet the statistical confidence thresholds required to predict the impact of this variant on SYNJ1 protein function. In summary, the available evidence is currently insufficient to determine the role of this variant in disease. Therefore, it has been classified as a Variant of Uncertain Significance.

GeneDx
Classification: Uncertain significance. Last evaluated: 2019-08-15. Review status: criteria provided, single submitter. Criteria: GeneDx Variant Classification Process June 2021. Collection method: clinical testing. Allele origin: germline. Affected: yes.
Comment: Not observed in large population cohorts (Lek et al., 2016); In silico analysis, which includes protein predictors and evolutionary conservation, supports that this variant does not alter protein structure/function; Has not been previously published as pathogenic or benign to our knowledge

NM_203446.3(SYNJ1):c.3607G>A (p.Gly1203Arg)

Gene: SYNJ1 (synaptojanin 1; minus strand). Cytogenetic location: 21q22.11.
Variant type: single nucleotide variant.
Coding change: c.3607G>A on transcript NM_203446.3 (MANE Select); coding-DNA position 3607, G replaced by A.
Protein change: p.Gly1203Arg; replaces glycine 1203 with arginine.
Molecular consequence: missense variant.
Genome position (GRCh38, 1-based): chr21:32,639,761, C>T on the plus strand (G>A on the coding strand, the complement: SYNJ1 is on the minus strand). VCF-style: chr21-32639761-C-T. GRCh37 (hg19) VCF-style: chr21-34012071-C-T.
Other names: c.3559G>A, p.Gly1187Arg (NM_001160302.2); c.3466G>A, p.Gly1156Arg (NM_001160306.2); c.3724G>A, p.Gly1242Arg (NM_003895.4); short protein forms G1156R, G1187R, G1203R, G1242R.
Identifiers: ClinVar variation 1307823 (VCV001307823.8), dbSNP rs2145726317, ClinGen allele CA410087978.